The following is an entry in ClinVar:

NM_004444.5(EPHB4):c.2609T>G (p.Val870Gly)

Genes: EPHB4 (EPH receptor B4; minus strand), LOC126860124 (CDK7 strongly-dependent group 2 enhancer GRCh37_chr7:100403701-100404900; plus strand). Cytogenetic location: 7q22.1.
Variant type: single nucleotide variant.
Coding change: c.2609T>G on transcript NM_004444.5 (MANE Select); coding-DNA position 2609, T replaced by G.
Protein change: p.Val870Gly; replaces valine 870 with glycine.
Molecular consequence: missense variant.
Genome position (GRCh38, 1-based): chr7:100,805,570, A>C on the plus strand (T>G on the coding strand, the complement: EPHB4 is on the minus strand). VCF-style: chr7-100805570-A-C. GRCh37 (hg19) VCF-style: chr7-100403192-A-C.
Other names: short protein forms V870G.
Identifiers: ClinVar variation 4698268 (VCV004698268.1).
Genomic context (GRCh38, chr7:100,805,570, plus strand): 5'-TCCCGGGCCACGATTTTGAGGCTGGCGGGGTTCCGGATCATCTTGTCCAGGGCGCTGACC[A>C]CCTGGGGGAAGCGGGGCCGGGCATTCCGGTCTTTCTGCCAACAGTCCAGCATGAGCTGGT-3'
Protein context (NP_004435.3, residues 860-880): DRNARPRFPQ[Val870Gly]VSALDKMIRN

ClinVar aggregate classification (germline): Uncertain significance (1 of 4 stars; one submission).

Submission:

Labcorp Genetics (formerly Invitae), Labcorp
Classification: Uncertain significance. Last evaluated: 2025-09-21. Review status: criteria provided, single submitter. Criteria: Invitae Variant Classification Sherloc (09022015). Collection method: clinical testing. Allele origin: germline.
Comment: This sequence change replaces valine, which is neutral and non-polar, with glycine, which is neutral and non-polar, at codon 870 of the EPHB4 protein (p.Val870Gly). This variant is not present in population databases (gnomAD no frequency). This missense change has been observed in individual(s) with EPHB4-related conditions (PMID: 31994743). Invitae Evidence Modeling of protein sequence and biophysical properties (such as structural, functional, and spatial information, amino acid conservation, physicochemical variation, residue mobility, and thermodynamic stability) indicates that this missense variant is not expected to disrupt EPHB4 protein function with a negative predictive value of 95%. In summary, the available evidence is currently insufficient to determine the role of this variant in disease. Therefore, it has been classified as a Variant of Uncertain Significance.

Literature cited by the submitters: PubMed 31994743.